The following is an entry in ClinVar:

NM_130384.3(ATRIP):c.842A>G (p.His281Arg)

Genes: ATRIP (ATR interacting protein; plus strand), ATRIP-TREX1 (ATRIP-TREX1 readthrough; plus strand). Cytogenetic location: 3p21.31.
Variant type: single nucleotide variant.
Coding change: c.842A>G on transcript NM_130384.3 (MANE Select); coding-DNA position 842, A replaced by G.
Protein change: p.His281Arg; replaces histidine 281 with arginine.
Molecular consequence: missense variant. On other transcripts: non-coding transcript variant (1).
Genome position (GRCh38, 1-based): chr3:48,459,371, A>G. VCF-style: chr3-48459371-A-G. GRCh37 (hg19) VCF-style: chr3-48500770-A-G.
Other names: c.461A>G, p.His154Arg (NM_001271022.2); c.563A>G, p.His188Arg (NM_001271023.2); c.842A>G, p.His281Arg (NM_032166.4); short protein forms H281R, H188R, H154R.
Identifiers: ClinVar variation 3809284 (VCV003809284.1).

ClinVar aggregate classification (germline): Uncertain significance (1 of 4 stars; one submission).

gnomAD v4.1: 12 of 1,613,862 alleles (0.00074%); highest among the groups gnomAD compares: Non-Finnish European, 0.00093%; no homozygotes.

Submission:

Ambry Genetics
Classification: Uncertain significance. Last evaluated: 2024-12-22. Review status: criteria provided, single submitter. Criteria: Ambry Variant Classification Scheme 2023. Collection method: clinical testing. Allele origin: germline.
Comment: The p.H281R variant (also known as c.842A>G), located in coding exon 6 of the ATRIP gene, results from an A to G substitution at nucleotide position 842. The histidine at codon 281 is replaced by arginine, an amino acid with highly similar properties. This amino acid position is conserved. In addition, this alteration is predicted to be tolerated by in silico analysis. Based on the available evidence, the clinical significance of this variant remains unclear.